The following is an entry in ClinVar:

NM_006648.4(WNK2):c.38C>A (p.Thr13Lys)

Gene: WNK2 (WNK lysine deficient protein kinase 2; plus strand). Cytogenetic location: 9q22.31.
Variant type: single nucleotide variant.
Coding change: c.38C>A on transcript NM_006648.4 (MANE Select); coding-DNA position 38, C replaced by A.
Protein change: p.Thr13Lys; replaces threonine 13 with lysine.
Molecular consequence: missense variant.
Genome position (GRCh38, 1-based): chr9:93,184,967, C>A. VCF-style: chr9-93184967-C-A. GRCh37 (hg19) VCF-style: chr9-95947249-C-A.
Other names: c.38C>A, p.Thr13Lys (NM_001282394.3); short protein forms T13K.
Identifiers: ClinVar variation 3816864 (VCV003816864.1).

ClinVar aggregate classification (germline): Uncertain significance (1 of 4 stars; one submission).

gnomAD v4.1: 5 of 1,236,750 alleles (0.0004%); highest among the groups gnomAD compares: Non-Finnish European, 0.0005%; no homozygotes.

Submission:

Ambry Genetics
Classification: Uncertain significance. Last evaluated: 2025-01-17. Review status: criteria provided, single submitter. Criteria: Ambry Variant Classification Scheme 2023. Collection method: clinical testing. Allele origin: germline.
Comment: The p.T13K variant (also known as c.38C>A), located in coding exon 1 of the WNK2 gene, results from a C to A substitution at nucleotide position 38. The threonine at codon 13 is replaced by lysine, an amino acid with similar properties. This amino acid position is conserved. In addition, this alteration is predicted to be tolerated by in silico analysis. Based on the available evidence, the clinical significance of this variant remains unclear.